The following is an entry in ClinVar:

NM_003079.5(SMARCE1):c.508T>C (p.Tyr170His)

Gene: SMARCE1 (SWI/SNF related BAF chromatin remodeling complex subunit E1; minus strand). Cytogenetic location: 17q21.2.
Variant type: single nucleotide variant.
Coding change: c.508T>C on transcript NM_003079.5 (MANE Select); coding-DNA position 508, T replaced by C.
Protein change: p.Tyr170His; replaces tyrosine 170 with histidine.
Molecular consequence: missense variant.
Genome position (GRCh38, 1-based): chr17:40,635,964, A>G on the plus strand (T>C on the coding strand, the complement: SMARCE1 is on the minus strand). VCF-style: chr17-40635964-A-G. GRCh37 (hg19) VCF-style: chr17-38792216-A-G.
Other names: short protein forms Y170H.
Identifiers: ClinVar variation 1745268 (VCV001745268.2), dbSNP rs2037142413, ClinGen allele CA399366299.
Genomic context (GRCh38, chr17:40,635,964, plus strand): 5'-AACAAAACCCCACTTTTTTTCTTTTACCATCTGGATCTTCAGCAGGCTGAATGCTCATGT[A>G]CGGTTCTCCTTTCTCCATGCGAGATTGTCTCTGTCGACTTTCTTCCTCTAAAGCAGCTTC-3'
Protein context (NP_003070.3, residues 160-180): RQSRMEKGEP[Tyr170His]MSIQPAEDPD

ClinVar aggregate classification (germline): Uncertain significance (1 of 4 stars; one submission).

Conditions:
Hereditary cancer-predisposing syndrome. Also called: Hereditary Cancer Syndrome; Neoplastic Syndromes, Hereditary; Tumor predisposition; Hereditary neoplastic syndrome. Identifiers: Orphanet 140162, MedGen C0027672, MeSH D009386, MONDO:0015356.

Allele frequency attached by ClinVar (database versions not stated): gnomAD 0.00001.
gnomAD v4.1: 1 of 1,611,406 alleles (0.000062%); highest among the groups gnomAD compares: Admixed American, 0.0017%; no homozygotes.

Submission:

Ambry Genetics
Classification: Uncertain significance for Hereditary cancer-predisposing syndrome. Last evaluated: 2022-03-28. Review status: criteria provided, single submitter. Criteria: Ambry Variant Classification Scheme 2023. Collection method: clinical testing. Allele origin: germline.
Comment: The p.Y170H variant (also known as c.508T>C), located in coding exon 6 of the SMARCE1 gene, results from a T to C substitution at nucleotide position 508. The tyrosine at codon 170 is replaced by histidine, an amino acid with similar properties. This amino acid position is highly conserved in available vertebrate species. In addition, the in silico prediction for this alteration is inconclusive. Missense and in-frame variants in SMARCE1 are known to cause neurodevelopmental disorders; however, such associations with increased risk of meningiomas are exceedingly rare (Kosho T et al. Am J Med Genet C Semin Med Genet. 2014 Sep;166C(3):262-75; Smith JM et al. Nat Genet. 2013 Mar;45(3):295-8). Based on the supporting evidence, the association of this alteration with an increased risk of Coffin-Siris syndrome is unknown; however, the association of this alteration with meningiomas is unlikely.